The following is an entry in ClinVar:

ClinVar aggregate classification (germline): Likely benign (0 of 4 stars; one submission).

Conditions:
SEMA3D-related disorder. Also called: SEMA3D-related condition.

gnomAD v4.1: 27 of 1,613,318 alleles (0.0017%); highest among the groups gnomAD compares: East Asian, 0.0022%; no homozygotes.

Submission:

PreventionGenetics, part of Exact Sciences
Classification: Likely benign for SEMA3D-related condition. Last evaluated: 2024-08-27. Review status: no assertion criteria provided. Collection method: clinical testing. Allele origin: germline.
Comment: This variant is classified as likely benign based on ACMG/AMP sequence variant interpretation guidelines (Richards et al. 2015 PMID: 25741868, with internal and published modifications).

NM_001384900.1(SEMA3D):c.708C>T (p.Tyr236=)

Gene: SEMA3D (semaphorin 3D; minus strand). Cytogenetic location: 7q21.11.
Variant type: single nucleotide variant.
Coding change: c.708C>T on transcript NM_001384900.1 (MANE Select); coding-DNA position 708, C replaced by T.
Protein change: p.Tyr236=; no amino-acid change (tyrosine 236 retained).
Molecular consequence: synonymous variant.
Genome position (GRCh38, 1-based): chr7:85,065,434, G>A on the plus strand (C>T on the coding strand, the complement: SEMA3D is on the minus strand). VCF-style: chr7-85065434-G-A. GRCh37 (hg19) VCF-style: chr7-84694750-G-A.
Other names: c.708C>T, p.Tyr236= (NM_001384901.1, NM_001384902.1, NM_001384903.1 and 1 more transcripts).
Identifiers: ClinVar variation 3358390 (VCV003358390.1).